The following is an entry in ClinVar:

ClinVar aggregate classification (germline): Uncertain significance (1 of 4 stars; one submission).

Conditions:
LEPR-related disorder. Also called: LEPR-related disorders; LEPR-related condition.

Submission:

PreventionGenetics, part of Exact Sciences
Classification: Uncertain significance for LEPR-related condition. Last evaluated: 2025-11-19. Review status: criteria provided, single submitter. Criteria: ACMG Guidelines, 2015. Collection method: clinical testing. Allele origin: germline.
Comment: The LEPR c.1911A>C variant is predicted to result in the amino acid substitution p.Lys637Asn. To our knowledge, this variant has not been reported in the literature or in a large population database (gnomAD), indicating this variant is rare. At this time, the clinical significance of this variant is uncertain due to the absence of conclusive functional and genetic evidence.

NM_002303.6(LEPR):c.1911A>C (p.Lys637Asn)

Gene: LEPR (leptin receptor; plus strand). Cytogenetic location: 1p31.3.
Variant type: single nucleotide variant.
Coding change: c.1911A>C on transcript NM_002303.6 (MANE Select); coding-DNA position 1911, A replaced by C.
Protein change: p.Lys637Asn; replaces lysine 637 with asparagine.
Molecular consequence: missense variant.
Genome position (GRCh38, 1-based): chr1:65,610,105, A>C. VCF-style: chr1-65610105-A-C. GRCh37 (hg19) VCF-style: chr1-66075788-A-C.
Other names: c.1911A>C, p.Lys637Asn (NM_001003679.3, NM_001003680.3, NM_001198687.2 and 2 more transcripts); short protein forms K637N.
Identifiers: ClinVar variation 4996336 (VCV004996336.1).